The following is an entry in ClinVar:

NM_138295.5(PKD1L1):c.1324G>A (p.Val442Met)

Gene: PKD1L1 (polycystin 1 like 1, transient receptor potential channel interacting; minus strand). Cytogenetic location: 7p12.3.
Variant type: single nucleotide variant.
Coding change: c.1324G>A on transcript NM_138295.5 (MANE Select); coding-DNA position 1324, G replaced by A.
Protein change: p.Val442Met; replaces valine 442 with methionine.
Molecular consequence: missense variant.
Genome position (GRCh38, 1-based): chr7:47,908,155, C>T on the plus strand (G>A on the coding strand, the complement: PKD1L1 is on the minus strand). VCF-style: chr7-47908155-C-T. GRCh37 (hg19) VCF-style: chr7-47947752-C-T.
Other names: short protein forms V442M.
Identifiers: ClinVar variation 718520 (VCV000718520.9), dbSNP rs139392810, ClinGen allele CA4254091.

ClinVar aggregate classification (germline): Likely benign. Review status: criteria provided, multiple submitters, no conflicts (2 of 4 stars). 3 submissions from 3 submitters: Likely benign (2). 1 of the submissions does not count toward it. Last evaluated 2025-11-28.

Conditions:
PKD1L1-related disorder. Also called: PKD1L1-related condition.

Allele frequency attached by ClinVar (database versions not stated): ESP Exome Variant Server 0.00069; gnomAD 0.00145 and 0.00150; TOPMed 0.00152; 1000 Genomes Project 30x 0.00172; 1000 Genomes Project 0.00180.
gnomAD v4.1: 556 of 1,614,212 alleles (0.034%); highest among the groups gnomAD compares: African/African-American, 0.43%; 2 homozygotes.

Submissions (3):

Labcorp Genetics (formerly Invitae), Labcorp
Classification: Likely benign. Last evaluated: 2025-11-28. Review status: criteria provided, single submitter. Criteria: Invitae Variant Classification Sherloc (09022015). Collection method: clinical testing. Allele origin: germline.

Breakthrough Genomics
Classification: Likely benign. Review status: criteria provided, single submitter. Criteria: ACMG Guidelines, 2015. Collection method: not provided. Allele origin: germline. Inheritance: Autosomal recessive inheritance. Affected: yes.

PreventionGenetics, part of Exact Sciences
Classification: Likely benign for PKD1L1-related condition. Last evaluated: 2022-01-28. Review status: no assertion criteria provided. Collection method: clinical testing. Allele origin: germline. Not counted in ClinVar's aggregate classification.
Comment: This variant is classified as likely benign based on ACMG/AMP sequence variant interpretation guidelines (Richards et al. 2015 PMID: 25741868, with internal and published modifications).